The following is an entry in ClinVar:

NM_001348768.2(HECW2):c.1772G>A (p.Ser591Asn)

Gene: HECW2 (HECT, C2 and WW domain containing E3 ubiquitin protein ligase 2; minus strand). Cytogenetic location: 2q32.3.
Variant type: single nucleotide variant.
Coding change: c.1772G>A on transcript NM_001348768.2 (MANE Select); coding-DNA position 1772, G replaced by A.
Protein change: p.Ser591Asn; replaces serine 591 with asparagine.
Molecular consequence: missense variant.
Genome position (GRCh38, 1-based): chr2:196,319,118, C>T on the plus strand (G>A on the coding strand, the complement: HECW2 is on the minus strand). VCF-style: chr2-196319118-C-T. GRCh37 (hg19) VCF-style: chr2-197183842-C-T.
Other names: c.704G>A, p.Ser235Asn (NM_001304840.3); c.1772G>A, p.Ser591Asn (NM_020760.4); short protein forms S235N, S591N.
Identifiers: ClinVar variation 1806331 (VCV001806331.1), dbSNP rs1427643667, ClinGen allele CA349965484.

ClinVar aggregate classification (germline): Uncertain significance (1 of 4 stars; one submission).

Conditions:
Neurodevelopmental disorder with hypotonia, seizures, and absent language (NDHSAL). Identifiers: MedGen C4310643, MONDO:0014995, OMIM 617268.

Allele frequency attached by ClinVar (database versions not stated): TOPMed below 0.00001; gnomAD 0.00001; gnomAD exomes 0.00001.
gnomAD v4.1: 9 of 1,593,726 alleles (0.00056%); highest among the groups gnomAD compares: Non-Finnish European, 0.00077%; no homozygotes.

Submission:

Victorian Clinical Genetics Services, Murdoch Childrens Research Institute
Classification: Uncertain significance for Neurodevelopmental disorder with hypotonia, seizures, and absent language. Last evaluated: 2020-10-19. Review status: criteria provided, single submitter. Criteria: ACMG Guidelines, 2015. Collection method: clinical testing. Allele origin: germline. Inheritance: Autosomal dominant inheritance. Affected: yes.
Comment: Based on the classification scheme VCGS_Germline_v1.3.3, this variant is classified as 3C-VUS. Following criteria are met: 0105 - The mechanism of disease for this gene is not clearly established. (I) 0107 - This gene is associated with autosomal dominant disease. (I) 0200 - Variant is predicted to result in a missense amino acid change from serine to asparagine. (I) 0251 - This variant is heterozygous. (I) 0302 - Variant is present in gnomAD (v3) <0.001 for a dominant condition (1 heterozygote, 0 homozygotes). (SP) 0504 - Same amino acid change has been observed in placental mammals. (SB) 0604 - Variant is not located in an established domain, motif, hotspot or informative constraint region. (I) 0705 - No comparable missense variants have previous evidence for pathogenicity. (I) 0807 - This variant has no previous evidence of pathogenicity. (I) 0905 - No published segregation evidence has been identified for this variant. (I) 1007 - No published functional evidence has been identified for this variant. (I) 1208 - Inheritance information for this variant is not currently available in this individual. (I) Legend: (SP) - Supporting pathogenic, (I) - Information, (SB) - Supporting benign